The following is an entry in ClinVar:

NM_000237.3(LPL):c.456T>C (p.Asn152=)

Gene: LPL (lipoprotein lipase; plus strand). Cytogenetic location: 8p21.3.
Variant type: single nucleotide variant.
Coding change: c.456T>C on transcript NM_000237.3 (MANE Select); coding-DNA position 456, T replaced by C.
Protein change: p.Asn152=; no amino-acid change (asparagine 152 retained).
Molecular consequence: synonymous variant.
Genome position (GRCh38, 1-based): chr8:19,953,336, T>C. VCF-style: chr8-19953336-T-C. GRCh37 (hg19) VCF-style: chr8-19810847-T-C.
Other names: p.Asn152=.
Identifiers: ClinVar variation 721152 (VCV000721152.25), dbSNP rs116678290, ClinGen allele CA4655428.

ClinVar aggregate classification (germline): Benign/Likely benign. Review status: criteria provided, multiple submitters, no conflicts (2 of 4 stars). 10 submissions from 10 submitters: Benign (1); Likely benign (6). 3 of the submissions do not count toward it. Last evaluated 2026-01-25.

Conditions:
Cardiovascular phenotype. Identifiers: MedGen CN230736.
Hyperlipoproteinemia, type I. Also called: Lipoprotein Lipase Deficiency; Familial hyperlipo-proteinemia type 1; Hyperlipemia essential familial; HYPERLIPOPROTEINEMIA, TYPE IA; LPL DEFICIENCY; Lipase D deficiency. Identifiers: Orphanet 309015, Orphanet 444490, MedGen C0023817, MONDO:0009387, OMIM 238600. Disease mechanism: loss of function.

Allele frequency attached by ClinVar (database versions not stated): gnomAD exomes 0.00027 and 0.00068; ExAC 0.00061; 1000 Genomes Project 30x 0.00109; 1000 Genomes Project 0.00120; gnomAD 0.00169 and 0.00183; ESP Exome Variant Server 0.00208; TOPMed 0.00231.

Submissions (10):

Labcorp Genetics (formerly Invitae), Labcorp
Classification: Benign. Last evaluated: 2026-01-25. Review status: criteria provided, single submitter. Criteria: Invitae Variant Classification Sherloc (09022015). Collection method: clinical testing. Allele origin: germline.

Mayo Clinic Laboratories, Mayo Clinic
Classification: Likely benign. Last evaluated: 2025-06-24. Review status: criteria provided, single submitter. Criteria: ACMG Guidelines, 2015. Collection method: clinical testing. Allele origin: germline. Observed: 1 variant allele.
Comment: BS1, BP4, BP7

Blueprint Genetics
Classification: Likely benign. Last evaluated: 2024-09-04. Review status: criteria provided, single submitter. Criteria: ACMG Guidelines, 2015. Collection method: clinical testing. Allele origin: germline.

Women's Health and Genetics/Laboratory Corporation of America, LabCorp
Classification: Likely benign. Last evaluated: 2023-07-18. Review status: criteria provided, single submitter. Criteria: LabCorp Variant Classification Summary - May 2015. Collection method: clinical testing. Allele origin: germline.

Ambry Genetics
Classification: Likely benign for Cardiovascular phenotype. Last evaluated: 2022-02-14. Review status: criteria provided, single submitter. Criteria: Ambry Variant Classification Scheme 2023. Collection method: clinical testing. Allele origin: germline.

Illumina Laboratory Services, Illumina
Classification: Likely benign for Hyperlipoproteinemia, type I. Last evaluated: 2018-01-13. Review status: criteria provided, single submitter. Criteria: ICSL Variant Classification Criteria 13 December 2019. Collection method: clinical testing. Allele origin: germline.
Comment: This variant was observed in the ICSL laboratory as part of a predisposition screen in an ostensibly healthy population. It had not been previously curated by ICSL or reported in the Human Gene Mutation Database (HGMD: prior to June 1st, 2018), and was therefore a candidate for classification through an automated scoring system. Utilizing variant allele frequency, disease prevalence and penetrance estimates, and inheritance mode, an automated score was calculated to assess if this variant is too frequent to cause the disease. Based on the score and internal cut-off values, a variant classified as likely benign is not then subjected to further curation. The score for this variant resulted in a classification of likely benign for this disease.

Breakthrough Genomics
Classification: Likely benign. Review status: criteria provided, single submitter. Criteria: ACMG Guidelines, 2015. Collection method: not provided. Allele origin: germline. Inheritance: Autosomal recessive inheritance. Affected: yes.

Natera, Inc.
Classification: Likely benign for Lipoprotein lipase deficiency. Last evaluated: 2019-10-22. Review status: no assertion criteria provided. Collection method: clinical testing. Allele origin: germline. Not counted in ClinVar's aggregate classification.

Clinical Genetics DNA and cytogenetics Diagnostics Lab, Erasmus MC, Erasmus Medical Center
Classification: Likely benign. Review status: no assertion criteria provided. Collection method: clinical testing. Allele origin: germline. Affected: yes. Study: VKGL Data-share Consensus. Not counted in ClinVar's aggregate classification.

Clinical Genetics, Academic Medical Center
Classification: Benign. Review status: no assertion criteria provided. Collection method: clinical testing. Allele origin: germline. Affected: yes. Study: VKGL Data-share Consensus. Not counted in ClinVar's aggregate classification.